The following is an entry in ClinVar:

NM_000179.2(MSH6):c.4002_4045dupGGAAGTTTGCCTGGCTAGTGAAAGGTCAACTGTAGATGCTGAAG

Gene: MSH6 (mutS homolog 6; plus strand). Cytogenetic location: 2p16.3.
Variant type: Duplication.
Coding change: c.4002_4045dupGGAAGTTTGCCTGGCTAGTGAAAGGTCAACTGTAGATGCTGAAG on transcript NM_000179.2; coding-DNA positions 4002 to 4045, 44 bases duplicated.
Molecular consequence: splice acceptor variant (on NM_001406808.1).
Genome position (GRCh38, 1-based): chr2:47,806,779-47,806,822, 44 bases duplicated; duplicating any 44 consecutive bases within chr2:47,806,776-47,806,822 gives the same sequence; the c. name uses the placement nearest the transcript's 3' end. GRCh37 (hg19): chr2:48,033,918-48,033,961.
Other names: c.4002-5_*26dup (NM_001406808.1); c.3705-5_*26dup (NM_001406801.1, NM_001406822.1).
Identifiers: ClinVar variation 3296375 (VCV003296375.1).

ClinVar aggregate classification (germline): Uncertain significance (1 of 4 stars; one submission).

Conditions:
Hereditary cancer-predisposing syndrome. Also called: Neoplastic Syndromes, Hereditary; Tumor predisposition; Hereditary Cancer Syndrome; Hereditary neoplastic syndrome. Identifiers: Orphanet 140162, MedGen C0027672, MeSH D009386, MONDO:0015356.

Submission:

Ambry Genetics
Classification: Uncertain significance for Hereditary cancer-predisposing syndrome. Last evaluated: 2024-04-11. Review status: criteria provided, single submitter. Criteria: Ambry Variant Classification Scheme 2023. Collection method: clinical testing. Allele origin: germline.
Comment: The c.4002_4045dup44 variant, located in coding exon 10 of the MSH6 gene, results from a duplication of GGAAGTTTGCCTGGCTAGTGAAAGGTCAACTGTAGATGCTGAAG at nucleotide position 4002, causing a translational frameshift with a predicted alternate stop codon (p.A1349Gfs*12). This alteration occurs at the 3' terminus of theMSH6 gene, is not expected to trigger nonsense-mediated mRNAdecay, and only impacts the last 12 amino acids of the protein. The exact functional effect of this alteration is unknown. Based on the available evidence, the clinical significance of this variant remains unclear.